The following is an entry in ClinVar:

NM_024408.4(NOTCH2):c.4519A>G (p.Lys1507Glu)

Gene: NOTCH2 (notch receptor 2; minus strand). Cytogenetic location: 1p12.
Variant type: single nucleotide variant.
Coding change: c.4519A>G on transcript NM_024408.4 (MANE Select); coding-DNA position 4519, A replaced by G.
Protein change: p.Lys1507Glu; replaces lysine 1507 with glutamic acid.
Molecular consequence: missense variant.
Genome position (GRCh38, 1-based): chr1:119,923,977, T>C on the plus strand (A>G on the coding strand, the complement: NOTCH2 is on the minus strand). VCF-style: chr1-119923977-T-C. GRCh37 (hg19) VCF-style: chr1-120466600-T-C.
Other names: short protein forms K1507E.
Identifiers: ClinVar variation 2803249 (VCV002803249.3), dbSNP rs775624126, ClinGen allele CA1039837.
Genomic context (GRCh38, chr1:119,923,977, plus strand): 5'-ACTCCTCACTGTTGCACCCCTGGTCACAGTGGTTGTCTTTGAAGTGGTCTGCACAGTATT[T>C]GTCATACCTAGGTAAGGGGAAGCAGAGAACAGGCAAAAGAGCTCAGATTAGACTGGAGCT-3'
Protein context (NP_077719.2, residues 1497-1517): QGNSKTCKYD[Lys1507Glu]YCADHFKDNH

ClinVar aggregate classification (germline): Uncertain significance (1 of 4 stars; one submission).

Conditions:
Hajdu-Cheney syndrome (HJCYS). Also called: ACROOSTEOLYSIS WITH OSTEOPOROSIS AND CHANGES IN SKULL AND MANDIBLE; SERPENTINE FIBULA-POLYCYSTIC KIDNEY SYNDROME; Acroosteolysis dominant type. Identifiers: Orphanet 955, MedGen C0917715, MONDO:0007057, OMIM 102500.

Allele frequency attached by ClinVar (database versions not stated): gnomAD exomes below 0.00001; ExAC 0.00001.
gnomAD v4.1: 2 of 1,613,338 alleles (0.00012%); highest among the groups gnomAD compares: Admixed American, 0.0033%; no homozygotes.

Submission:

Labcorp Genetics (formerly Invitae), Labcorp
Classification: Uncertain significance for Hajdu-Cheney syndrome. Last evaluated: 2023-06-06. Review status: criteria provided, single submitter. Criteria: Invitae Variant Classification Sherloc (09022015). Collection method: clinical testing. Allele origin: germline.
Comment: Advanced modeling of protein sequence and biophysical properties (such as structural, functional, and spatial information, amino acid conservation, physicochemical variation, residue mobility, and thermodynamic stability) performed at Invitae indicates that this missense variant is not expected to disrupt NOTCH2 protein function. This variant has not been reported in the literature in individuals affected with NOTCH2-related conditions. This variant is present in population databases (rs775624126, gnomAD 0.006%). This sequence change replaces lysine, which is basic and polar, with glutamic acid, which is acidic and polar, at codon 1507 of the NOTCH2 protein (p.Lys1507Glu). In summary, the available evidence is currently insufficient to determine the role of this variant in disease. Therefore, it has been classified as a Variant of Uncertain Significance.